The following is an entry in ClinVar:

ClinVar aggregate classification (germline): Likely benign. Review status: criteria provided, single submitter (1 of 4 stars). 2 submissions from 2 submitters: Likely benign (1). 1 of the submissions does not count toward it. Last evaluated 2018-01-12.

Conditions:
DNAH10-related disorder. Also called: DNAH10-related condition.

Allele frequency attached by ClinVar (database versions not stated): gnomAD exomes 0.00001.
gnomAD v4.1: 12 of 1,611,682 alleles (0.00074%); highest among the groups gnomAD compares: African/African-American, 0.0067%; no homozygotes.

Submissions (2):

Labcorp Genetics (formerly Invitae), Labcorp
Classification: Likely benign. Last evaluated: 2018-01-12. Review status: criteria provided, single submitter. Criteria: Invitae Variant Classification Sherloc (09022015). Collection method: clinical testing. Allele origin: germline.

PreventionGenetics, part of Exact Sciences
Classification: Likely benign for DNAH10-related condition. Last evaluated: 2019-03-04. Review status: no assertion criteria provided. Collection method: clinical testing. Allele origin: germline. Not counted in ClinVar's aggregate classification.
Comment: This variant is classified as likely benign based on ACMG/AMP sequence variant interpretation guidelines (Richards et al. 2015 PMID: 25741868, with internal and published modifications).

NM_001372106.1(DNAH10):c.9405C>G (p.Val3135=)

Gene: DNAH10 (dynein axonemal heavy chain 10; plus strand). Cytogenetic location: 12q24.31.
Variant type: single nucleotide variant.
Coding change: c.9405C>G on transcript NM_001372106.1 (MANE Select); coding-DNA position 9405, C replaced by G.
Protein change: p.Val3135=; no amino-acid change (valine 3135 retained).
Molecular consequence: synonymous variant.
Genome position (GRCh38, 1-based): chr12:123,897,894, C>G. VCF-style: chr12-123897894-C-G. GRCh37 (hg19) VCF-style: chr12-124382441-C-G.
Other names: c.9051C>G, p.Val3017= (NM_207437.3).
Identifiers: ClinVar variation 734343 (VCV000734343.5), dbSNP rs541422517, ClinGen allele CA245173718.